The following is an entry in ClinVar:

ClinVar aggregate classification (germline): Uncertain significance. Review status: criteria provided, single submitter (1 of 4 stars). 2 submissions from 2 submitters: Uncertain significance (1). 1 of the submissions does not count toward it. Last evaluated 2025-12-11.

Conditions:
TBC1D1-related disorder. Also called: TBC1D1-related condition.
Inborn genetic diseases. Identifiers: MedGen C0950123, MeSH D030342.

Allele frequency attached by ClinVar (database versions not stated): ESP Exome Variant Server 0.00085; 1000 Genomes Project 0.00020; gnomAD exomes 0.00085; ExAC 0.00086; gnomAD 0.00055; 1000 Genomes Project 30x 0.00062.
gnomAD v4.1: 1,310 of 1,611,510 alleles (0.081%); highest among the groups gnomAD compares: Non-Finnish European, 0.1%; 1 homozygote.

Submissions (2):

Ambry Genetics
Classification: Uncertain significance for Inborn genetic diseases. Last evaluated: 2025-12-11. Review status: criteria provided, single submitter. Criteria: Ambry Variant Classification Scheme 2023. Collection method: clinical testing. Allele origin: germline.

PreventionGenetics, part of Exact Sciences
Classification: Likely benign for TBC1D1-related condition. Last evaluated: 2022-03-28. Review status: no assertion criteria provided. Collection method: clinical testing. Allele origin: germline. Not counted in ClinVar's aggregate classification.
Comment: This variant is classified as likely benign based on ACMG/AMP sequence variant interpretation guidelines (Richards et al. 2015 PMID: 25741868, with internal and published modifications).

NM_001396959.1(TBC1D1):c.3749G>A (p.Arg1250Gln)

Gene: TBC1D1 (TBC1 domain family member 1; plus strand). Cytogenetic location: 4p14.
Variant type: single nucleotide variant.
Coding change: c.3749G>A on transcript NM_001396959.1 (MANE Select); coding-DNA position 3749, G replaced by A.
Protein change: p.Arg1250Gln; replaces arginine 1250 with glutamine.
Molecular consequence: missense variant.
Genome position (GRCh38, 1-based): chr4:38,137,295, G>A. VCF-style: chr4-38137295-G-A. GRCh37 (hg19) VCF-style: chr4-38138916-G-A.
Other names: c.3467G>A (NM_015173.2); c.3440G>A, p.Arg1147Gln (NM_001253912.2); c.758G>A, p.Arg253Gln (NM_001253913.2, NM_001253914.2); c.503G>A, p.Arg168Gln (NM_001253915.2); c.3467G>A, p.Arg1156Gln (NM_015173.4); short protein forms R1147Q, R1156Q, R1250Q, R168Q, R253Q.
Identifiers: ClinVar variation 3039071 (VCV003039071.3), dbSNP rs145834587, ClinGen allele CA2888395.